The following is an entry in ClinVar:

ClinVar aggregate classification (germline): Conflicting classifications of pathogenicity. Review status: criteria provided, conflicting classifications (1 of 4 stars). 7 submissions from 7 submitters: Uncertain significance (1); Benign (1); Likely benign (4). 1 of the submissions does not count toward it. Last evaluated 2025-12-24.

Conditions:
Primary ciliary dyskinesia. Also called: Ciliary dyskinesia. Identifiers: Orphanet 244, MedGen C0008780, MONDO:0016575, HP:0012265.
DNAH11-related disorder. Also called: DNAH11-related condition.
Primary ciliary dyskinesia 7. Also called: CILIARY DYSKINESIA, PRIMARY, 7, WITH OR WITHOUT SITUS INVERSUS. Identifiers: Orphanet 244, MedGen C2678473, MONDO:0012748, OMIM 611884.

Allele frequency attached by ClinVar (database versions not stated): gnomAD exomes 0.00010 and 0.00032; ExAC 0.00050; gnomAD 0.00145 and 0.00150; TOPMed 0.00162; 1000 Genomes Project 30x 0.00187; ESP Exome Variant Server 0.00191; 1000 Genomes Project 0.00200.

Submissions (7):

Labcorp Genetics (formerly Invitae), Labcorp
Classification: Likely benign for Primary ciliary dyskinesia. Last evaluated: 2025-12-24. Review status: criteria provided, single submitter. Criteria: Invitae Variant Classification Sherloc (09022015). Collection method: clinical testing. Allele origin: germline.

Blueprint Genetics
Classification: Likely benign. Last evaluated: 2024-02-20. Review status: criteria provided, single submitter. Criteria: ACMG Guidelines, 2015. Collection method: clinical testing. Allele origin: germline.

GeneDx
Classification: Uncertain significance. Last evaluated: 2023-12-01. Review status: criteria provided, single submitter. Criteria: GeneDx Variant Classification Process June 2021. Collection method: clinical testing. Allele origin: germline. Affected: yes.
Comment: In silico analysis supports that this missense variant has a deleterious effect on protein structure/function; Has not been previously published as pathogenic or benign to our knowledge

ARUP Laboratories, Molecular Genetics and Genomics, ARUP Laboratories
Classification: Likely benign for Primary ciliary dyskinesia 7. Last evaluated: 2023-08-21. Review status: criteria provided, single submitter. Criteria: ARUP Molecular Germline Variant Investigation Process 2024. Collection method: clinical testing. Allele origin: germline.

Ambry Genetics
Classification: Benign for Primary ciliary dyskinesia. Last evaluated: 2017-04-17. Review status: criteria provided, single submitter. Criteria: Ambry Variant Classification Scheme 2023. Collection method: clinical testing. Allele origin: germline.

Laboratory for Molecular Medicine, Mass General Brigham Personalized Medicine
Classification: Likely benign. Last evaluated: 2013-02-21. Review status: criteria provided, single submitter. Criteria: LMM Criteria. Collection method: clinical testing. Allele origin: germline. Observed: 1 variant allele.
Comment: Leu2324Val in exon 42 of DNAH11: This variant is not expected to have clinical s ignificance because it has been identified in 0.6% (22/3790) of African American chromosomes from a broad population by the NHLBI Exome Sequencing Project.

PreventionGenetics, part of Exact Sciences
Classification: Likely benign for DNAH11-related condition. Last evaluated: 2020-07-17. Review status: no assertion criteria provided. Collection method: clinical testing. Allele origin: germline. Not counted in ClinVar's aggregate classification.
Comment: This variant is classified as likely benign based on ACMG/AMP sequence variant interpretation guidelines (Richards et al. 2015 PMID: 25741868, with internal and published modifications).

NM_001277115.2(DNAH11):c.6970C>G (p.Leu2324Val)

Gene: DNAH11 (dynein axonemal heavy chain 11; plus strand). Cytogenetic location: 7p15.3.
Variant type: single nucleotide variant.
Coding change: c.6970C>G on transcript NM_001277115.2 (MANE Select); coding-DNA position 6970, C replaced by G.
Protein change: p.Leu2324Val; replaces leucine 2324 with valine.
Molecular consequence: missense variant.
Genome position (GRCh38, 1-based): chr7:21,711,847, C>G. VCF-style: chr7-21711847-C-G. GRCh37 (hg19) VCF-style: chr7-21751465-C-G.
Other names: short protein forms L2324V.
Identifiers: ClinVar variation 178727 (VCV000178727.26), dbSNP rs201323940, ClinGen allele CA182894.